The following is an entry in ClinVar:

ClinVar aggregate classification (germline): Uncertain significance (1 of 4 stars; one submission).

Conditions:
Inborn genetic diseases. Identifiers: MedGen C0950123, MeSH D030342.

Submission:

Ambry Genetics
Classification: Uncertain significance for Inborn genetic diseases. Last evaluated: 2025-04-07. Review status: criteria provided, single submitter. Criteria: Ambry Variant Classification Scheme 2023. Collection method: clinical testing. Allele origin: germline.
Comment: The p.L546P variant (also known as c.1637T>C), located in coding exon 1 of the SAMD9 gene, results from a T to C substitution at nucleotide position 1637. The leucine at codon 546 is replaced by proline, an amino acid with similar properties. This amino acid position is conserved. In addition, the in silico prediction for this alteration is inconclusive. Based on the available evidence, the clinical significance of this variant remains unclear.

NM_017654.4(SAMD9):c.1637T>C (p.Leu546Pro)

Gene: SAMD9 (sterile alpha motif domain containing 9; minus strand). Cytogenetic location: 7q21.2.
Variant type: single nucleotide variant.
Coding change: c.1637T>C on transcript NM_017654.4 (MANE Select); coding-DNA position 1637, T replaced by C.
Protein change: p.Leu546Pro; replaces leucine 546 with proline.
Molecular consequence: missense variant.
Genome position (GRCh38, 1-based): chr7:93,104,461, A>G on the plus strand (T>C on the coding strand, the complement: SAMD9 is on the minus strand). VCF-style: chr7-93104461-A-G. GRCh37 (hg19) VCF-style: chr7-92733774-A-G.
Other names: c.1637T>C, p.Leu546Pro (NM_001193307.2); short protein forms L546P.
Identifiers: ClinVar variation 3949526 (VCV003949526.1).